The following is an entry in ClinVar:

NM_080425.4(GNAS):c.1546G>A (p.Ala516Thr)

Gene: GNAS (GNAS complex locus; plus strand). Cytogenetic location: 20q13.32.
Variant type: single nucleotide variant.
Coding change: c.1546G>A on transcript NM_080425.4 (MANE Plus Clinical); coding-DNA position 1546, G replaced by A.
Protein change: p.Ala516Thr; replaces alanine 516 with threonine.
Molecular consequence: missense variant. On other transcripts: synonymous variant (2), intron variant (3).
Genome position (GRCh38, 1-based): chr20:58,854,811, G>A. VCF-style: chr20-58854811-G-A. GRCh37 (hg19) VCF-style: chr20-57429866-G-A.
Other names: c.1359G>A, p.Leu453= (NM_001077490.3, NM_001309883.1); c.1546G>A, p.Ala516Thr (NM_001410913.1); c.*42+13925G>A (NM_016592.5); c.43+13925G>A (NM_001410912.1); c.-39+12936G>A (NM_001309861.2); short protein forms A516T.
Identifiers: ClinVar variation 3898982 (VCV003898982.1).

ClinVar aggregate classification (germline): Uncertain significance (1 of 4 stars; one submission).

Submission:

GeneDx
Classification: Uncertain significance. Last evaluated: 2024-11-07. Review status: criteria provided, single submitter. Criteria: GeneDx Variant Classification Process June 2021. Collection method: clinical testing. Allele origin: germline. Affected: yes.
Comment: Not observed at significant frequency in large population cohorts (gnomAD); In silico analysis indicates that this missense variant does not alter protein structure/function; Has not been previously published as pathogenic or benign to our knowledge; Reported using an alternate transcript of the gene